The following is an entry in ClinVar:

NM_017654.4(SAMD9):c.1175C>A (p.Pro392Gln)

Gene: SAMD9 (sterile alpha motif domain containing 9; minus strand). Cytogenetic location: 7q21.2.
Variant type: single nucleotide variant.
Coding change: c.1175C>A on transcript NM_017654.4 (MANE Select); coding-DNA position 1175, C replaced by A.
Protein change: p.Pro392Gln; replaces proline 392 with glutamine.
Molecular consequence: missense variant.
Genome position (GRCh38, 1-based): chr7:93,104,923, G>T on the plus strand (C>A on the coding strand, the complement: SAMD9 is on the minus strand). VCF-style: chr7-93104923-G-T. GRCh37 (hg19) VCF-style: chr7-92734236-G-T.
Other names: c.1175C>A, p.Pro392Gln (NM_001193307.2); c.1175C>A (NM_017654.3); short protein forms P392Q.
Identifiers: ClinVar variation 1365103 (VCV001365103.9), dbSNP rs752940223, ClinGen allele CA4343007.

ClinVar aggregate classification (germline): Uncertain significance. Review status: criteria provided, multiple submitters, no conflicts (2 of 4 stars). 3 submissions from 3 submitters: Uncertain significance (3). Last evaluated 2025-11-15.

Conditions:
Inborn genetic diseases. Identifiers: MedGen C0950123, MeSH D030342.

Allele frequency attached by ClinVar (database versions not stated): ExAC 0.00002; gnomAD exomes 0.00002.
gnomAD v4.1: 12 of 1,612,010 alleles (0.00074%); highest among the groups gnomAD compares: African/African-American, 0.0013%; no homozygotes.

Submissions (3):

Labcorp Genetics (formerly Invitae), Labcorp
Classification: Uncertain significance. Last evaluated: 2025-11-15. Review status: criteria provided, single submitter. Criteria: Invitae Variant Classification Sherloc (09022015). Collection method: clinical testing. Allele origin: germline.
Comment: This sequence change replaces proline, which is neutral and non-polar, with glutamine, which is neutral and polar, at codon 392 of the SAMD9 protein (p.Pro392Gln). This variant is present in population databases (rs752940223, gnomAD 0.005%). This variant has not been reported in the literature in individuals affected with SAMD9-related conditions. ClinVar contains an entry for this variant (Variation ID: 1365103). Invitae Evidence Modeling of protein sequence and biophysical properties (such as structural, functional, and spatial information, amino acid conservation, physicochemical variation, residue mobility, and thermodynamic stability) indicates that this missense variant is not expected to disrupt SAMD9 protein function with a negative predictive value of 95%. In summary, the available evidence is currently insufficient to determine the role of this variant in disease. Therefore, it has been classified as a Variant of Uncertain Significance.

Ambry Genetics
Classification: Uncertain significance for Inborn genetic diseases. Last evaluated: 2025-01-10. Review status: criteria provided, single submitter. Criteria: Ambry Variant Classification Scheme 2023. Collection method: clinical testing. Allele origin: germline.
Comment: The p.P392Q variant (also known as c.1175C>A), located in coding exon 1 of the SAMD9 gene, results from a C to A substitution at nucleotide position 1175. The proline at codon 392 is replaced by glutamine, an amino acid with similar properties. This amino acid position is conserved. In addition, this alteration is predicted to be tolerated by in silico analysis. Based on the available evidence, the clinical significance of this variant remains unclear.

GeneDx
Classification: Uncertain significance. Last evaluated: 2023-11-13. Review status: criteria provided, single submitter. Criteria: GeneDx Variant Classification Process June 2021. Collection method: clinical testing. Allele origin: germline. Affected: yes.
Comment: In silico analysis supports that this missense variant does not alter protein structure/function; Has not been previously published as pathogenic or benign to our knowledge